The following is an entry in ClinVar:

NM_006231.4(POLE):c.3501_3502insGGTCAAA (p.His1168fs)

Gene: POLE (DNA polymerase epsilon, catalytic subunit; minus strand). Cytogenetic location: 12q24.33.
Variant type: Insertion.
Coding change: c.3501_3502insGGTCAAA on transcript NM_006231.4 (MANE Select); coding-DNA positions 3501 to 3502, GGTCAAA inserted.
Protein change: p.His1168fs; shifts the reading frame from histidine 1168.
Molecular consequence: frameshift variant.
Genome position: GRCh38 VCF-style: chr12-132657216-G-GTTTGACC. GRCh37 (hg19) VCF-style: chr12-133233802-G-GTTTGACC.
Other names: short protein forms H1168fs.
Identifiers: ClinVar variation 405692 (VCV000405692.8), dbSNP rs1060500814, ClinGen allele CA16613670.

ClinVar aggregate classification (germline): Pathogenic (1 of 4 stars; one submission).

Allele frequency attached by ClinVar (database versions not stated): gnomAD exomes 0.00001.

Submission:

Labcorp Genetics (formerly Invitae), Labcorp
Classification: Pathogenic. Last evaluated: 2022-05-27. Review status: criteria provided, single submitter. Criteria: Invitae Variant Classification Sherloc (09022015). Collection method: clinical testing. Allele origin: germline.
Comment: For these reasons, this variant has been classified as Pathogenic. ClinVar contains an entry for this variant (Variation ID: 405692). This variant has not been reported in the literature in individuals affected with POLE-related conditions. This variant is not present in population databases (gnomAD no frequency). This sequence change creates a premature translational stop signal (p.His1168Glyfs*11) in the POLE gene. It is expected to result in an absent or disrupted protein product. Loss-of-function variants in POLE are known to be pathogenic (PMID: 23230001, 25948378, 30503519).

Literature cited by the submitters: PubMed 23230001; PubMed 25948378; PubMed 30503519.